The following is an entry in ClinVar:

ClinVar aggregate classification (germline): Likely benign (1 of 4 stars; one submission).

Allele frequency attached by ClinVar (database versions not stated): TOPMed below 0.00001; gnomAD 0.00001.
gnomAD v4.1: 1 of 1,613,808 alleles (0.000062%); highest among the groups gnomAD compares: African/African-American, 0.0013%; no homozygotes.

Submission:

GeneDx
Classification: Likely benign. Last evaluated: 2018-01-04. Review status: criteria provided, single submitter. Criteria: GeneDx Variant Classification (06012015). Collection method: clinical testing. Allele origin: germline. Affected: yes.
Comment: This variant is considered likely benign or benign based on one or more of the following criteria: it is a conservative change, it occurs at a poorly conserved position in the protein, it is predicted to be benign by multiple in silico algorithms, and/or has population frequency not consistent with disease.

NM_025152.3(NUBPL):c.459A>C (p.Pro153=)

Gene: NUBPL (NUBP iron-sulfur cluster assembly factor, mitochondrial; plus strand). Cytogenetic location: 14q12.
Variant type: single nucleotide variant.
Coding change: c.459A>C on transcript NM_025152.3 (MANE Select); coding-DNA position 459, A replaced by C.
Protein change: p.Pro153=; no amino-acid change (proline 153 retained).
Molecular consequence: synonymous variant. On other transcripts: non-coding transcript variant (1).
Genome position (GRCh38, 1-based): chr14:31,673,520, A>C. VCF-style: chr14-31673520-A-C. GRCh37 (hg19) VCF-style: chr14-32142726-A-C.
Other names: c.171A>C, p.Pro57= (NM_001201573.2).
Identifiers: ClinVar variation 514438 (VCV000514438.1), dbSNP rs1555326989, ClinGen allele CA485991723.